The following is an entry in ClinVar:

NM_004006.3(DMD):c.3276+1G>C

Gene: DMD (dystrophin; minus strand). Cytogenetic location: Xp21.1.
Variant type: single nucleotide variant.
Coding change: c.3276+1G>C on transcript NM_004006.3 (MANE Select); the canonical splice donor site of the intron after coding-DNA position 3276, G replaced by C.
Molecular consequence: splice donor variant.
Genome position (GRCh38, 1-based): chrX:32,464,585, C>G on the plus strand (G>C on the coding strand, the complement: DMD is on the minus strand). VCF-style: chrX-32464585-C-G. GRCh37 (hg19) VCF-style: chrX-32482702-C-G.
Other names: c.3252+1G>C (NM_000109.4); c.3264+1G>C (NM_004009.3); c.2907+1G>C (NM_004010.3).
Identifiers: ClinVar variation 804746 (VCV000804746.38), dbSNP rs398123934, ClinGen allele CA412664667.
Genomic context (GRCh38, chrX:32,464,585, plus strand): 5'-TCTAACCAAATAATATTCATACAAAATTATTCATATTAAAGGCATCATATAAAAATCTTA[C>G]TCTGCACTGTTTCAGCTGCTTTTTTAGAATTTCTGAATCCCCAAGGGCAGGCCATTCCTC-3'

ClinVar aggregate classification (germline): Pathogenic/Likely pathogenic. Review status: criteria provided, multiple submitters, no conflicts (2 of 4 stars). 4 submissions from 4 submitters: Pathogenic (2); Likely pathogenic (2). Last evaluated 2025-07-09.

Conditions:
Becker muscular dystrophy, Cardiomyopathy, Duchenne muscular dystrophy, Dystrophin deficiency.
Duchenne muscular dystrophy (DMD). Also called: MUSCULAR DYSTROPHY, PSEUDOHYPERTROPHIC PROGRESSIVE, DUCHENNE TYPE; Duchenne Muscular Dystrophy (DMD). Identifiers: Orphanet 98896, MedGen C0013264, MONDO:0010679, OMIM 310200.

Submissions (4):

Natera, Inc.
Classification: Likely pathogenic for Becker muscular dystrophy, Cardiomyopathy, Duchenne muscular dystrophy, Dystrophin deficiency. Last evaluated: 2025-07-09. Review status: criteria provided, single submitter. Criteria: Natera Variant Classification Schema (03/2026). Collection method: clinical testing. Allele origin: germline.
Comment: The c.3276+1G>C variant in DMD is a canonical splice donor site variant predicted to affect pre-mRNA splicing, which may result in an abnormal transcript and altered protein product. This variant may result in a truncated or dysfunctional protein product. This variant is rare in the general population with a frequency below the threshold expected for the associated phenotype(s). Another variant at this same site results in an alteration predicted to cause a similar molecular effect has been observed in individual(s) with the associated phenotype. Given the available evidence, this variant is classified as Likely Pathogenic.

Labcorp Genetics (formerly Invitae), Labcorp
Classification: Pathogenic for Duchenne muscular dystrophy. Last evaluated: 2025-01-15. Review status: criteria provided, single submitter. Criteria: Invitae Variant Classification Sherloc (09022015). Collection method: clinical testing. Allele origin: germline.
Comment: This sequence change affects a donor splice site in intron 24 of the DMD gene. It is expected to disrupt RNA splicing. Variants that disrupt the donor or acceptor splice site typically lead to a loss of protein function (PMID: 16199547), and loss-of-function variants in DMD are known to be pathogenic (PMID: 16770791, 25007885). This variant is not present in population databases (gnomAD no frequency). Disruption of this splice site has been observed in individuals with clinical features of Duchenne muscular dystrophy (PMID: 10612827, 27363342, 33644936). ClinVar contains an entry for this variant (Variation ID: 804746). Algorithms developed to predict the effect of sequence changes on RNA splicing suggest that this variant may disrupt the consensus splice site. For these reasons, this variant has been classified as Pathogenic.

CeGaT Center for Human Genetics Tuebingen
Classification: Pathogenic. Last evaluated: 2022-06-01. Review status: criteria provided, single submitter. Criteria: CeGaT Center For Human Genetics Tuebingen Variant Classification Criteria Version 2. Collection method: clinical testing. Allele origin: germline. Affected: yes. Observed: 1 variant allele.
Comment: DMD: PS2, PVS1:Strong, PM2

Athena Diagnostics
Classification: Likely pathogenic. Last evaluated: 2018-10-24. Review status: criteria provided, single submitter. Criteria: Athena Diagnostics Criteria. Collection method: clinical testing. Allele origin: germline.
Comment: The variant disrupts a canonical splice site, and is therefore predicted to significantly disrupt the protein structure. Not found in the total gnomAD dataset, but the area has low coverage or is a low quality site.

Literature cited by the submitters: PubMed 16199547 (cited by Labcorp Genetics (formerly Invitae), Labcorp); PubMed 16770791 (cited by Labcorp Genetics (formerly Invitae), Labcorp); PubMed 25007885 (cited by Labcorp Genetics (formerly Invitae), Labcorp); PubMed 10612827 (cited by Labcorp Genetics (formerly Invitae), Labcorp); PubMed 27363342 (cited by Labcorp Genetics (formerly Invitae), Labcorp); PubMed 33644936 (cited by Labcorp Genetics (formerly Invitae), Labcorp).